The following is an entry in ClinVar:

ClinVar aggregate classification (germline): Uncertain significance (1 of 4 stars; one submission).

gnomAD v4.1: 46 of 1,614,098 alleles (0.0028%); highest among the groups gnomAD compares: African/African-American, 0.008%; no homozygotes.

Submission:

Labcorp Genetics (formerly Invitae), Labcorp
Classification: Uncertain significance. Last evaluated: 2025-11-05. Review status: criteria provided, single submitter. Criteria: Invitae Variant Classification Sherloc (09022015). Collection method: clinical testing. Allele origin: germline.
Comment: This sequence change replaces arginine, which is basic and polar, with histidine, which is basic and polar, at codon 413 of the BRD4 protein (p.Arg413His). This variant is present in population databases (rs201883209, gnomAD 0.02%). This missense change has been observed in individual(s) with BRD4-related conditions (PMID: 33057194, 35982159). Invitae Evidence Modeling of protein sequence and biophysical properties (such as structural, functional, and spatial information, amino acid conservation, physicochemical variation, residue mobility, and thermodynamic stability) indicates that this missense variant is not expected to disrupt BRD4 protein function with a negative predictive value of 80%. In summary, the available evidence is currently insufficient to determine the role of this variant in disease. Therefore, it has been classified as a Variant of Uncertain Significance.

Literature cited by the submitters: PubMed 33057194; PubMed 35982159.

NM_001379291.1(BRD4):c.1238G>A (p.Arg413His)

Gene: BRD4 (bromodomain containing 4; minus strand). Cytogenetic location: 19p13.12.
Variant type: single nucleotide variant.
Coding change: c.1238G>A on transcript NM_001379291.1 (MANE Select); coding-DNA position 1238, G replaced by A.
Protein change: p.Arg413His; replaces arginine 413 with histidine.
Molecular consequence: missense variant.
Genome position (GRCh38, 1-based): chr19:15,263,523, C>T on the plus strand (G>A on the coding strand, the complement: BRD4 is on the minus strand). VCF-style: chr19-15263523-C-T. GRCh37 (hg19) VCF-style: chr19-15374334-C-T.
Other names: c.1238G>A, p.Arg413His (NM_001330384.2, NM_001379292.1, NM_014299.3 and 1 more transcripts); short protein forms R413H.
Identifiers: ClinVar variation 4759811 (VCV004759811.1).